The following is an entry in ClinVar:

NM_152743.4(BRAT1):c.737G>C (p.Cys246Ser)

Gene: BRAT1 (BRCA1 associated ATM activator 1; minus strand). Cytogenetic location: 7p22.3.
Variant type: single nucleotide variant.
Coding change: c.737G>C on transcript NM_152743.4 (MANE Select); coding-DNA position 737, G replaced by C.
Protein change: p.Cys246Ser; replaces cysteine 246 with serine.
Molecular consequence: missense variant. On other transcripts: non-coding transcript variant (1).
Genome position (GRCh38, 1-based): chr7:2,543,656, C>G on the plus strand (G>C on the coding strand, the complement: BRAT1 is on the minus strand). VCF-style: chr7-2543656-C-G. GRCh37 (hg19) VCF-style: chr7-2583290-C-G.
Other names: c.737G>C, p.Cys246Ser (NM_001350626.2); c.212G>C, p.Cys71Ser (NM_001350627.2); short protein forms C246S, C71S.
Identifiers: ClinVar variation 966160 (VCV000966160.9), dbSNP rs778404475, ClinGen allele CA4128110.

ClinVar aggregate classification (germline): Uncertain significance (1 of 4 stars; one submission).

Conditions:
Neonatal-onset encephalopathy with rigidity and seizures. Also called: Lethal neonatal spasticity-epileptic encephalopathy syndrome. Identifiers: Orphanet 435845, MedGen C3281029, MONDO:0013784, OMIM 614498.

Allele frequency attached by ClinVar (database versions not stated): TOPMed below 0.00001.
gnomAD v4.1: 8 of 1,552,588 alleles (0.00052%); highest among the groups gnomAD compares: Non-Finnish European, 0.00061%; no homozygotes.

Submission:

Labcorp Genetics (formerly Invitae), Labcorp
Classification: Uncertain significance for Neonatal-onset encephalopathy with rigidity and seizures. Last evaluated: 2022-09-07. Review status: criteria provided, single submitter. Criteria: Invitae Variant Classification Sherloc (09022015). Collection method: clinical testing. Allele origin: germline.
Comment: In summary, the available evidence is currently insufficient to determine the role of this variant in disease. Therefore, it has been classified as a Variant of Uncertain Significance. Algorithms developed to predict the effect of missense changes on protein structure and function output the following: SIFT: "Tolerated"; PolyPhen-2: "Benign"; Align-GVGD: "Class C0". The serine amino acid residue is found in multiple mammalian species, which suggests that this missense change does not adversely affect protein function. ClinVar contains an entry for this variant (Variation ID: 966160). This variant has not been reported in the literature in individuals affected with BRAT1-related conditions. This variant is present in population databases (rs778404475, gnomAD 0.002%). This sequence change replaces cysteine, which is neutral and slightly polar, with serine, which is neutral and polar, at codon 246 of the BRAT1 protein (p.Cys246Ser).